The following is an entry in ClinVar:

ClinVar aggregate classification (germline): Pathogenic (1 of 4 stars; one submission).

Conditions:
Hereditary breast ovarian cancer syndrome. Also called: Hereditary breast and ovarian cancer syndrome; Hereditary breast and ovarian cancer; Hereditary breast and ovarian cancer syndrome (HBOC); Hereditary breast and/or ovarian cancer syndrome; Breast and ovarian cancer; BRCA1- and BRCA2-Associated Hereditary Breast and Ovarian Cancer. Identifiers: Orphanet 145, MedGen C0677776, MeSH D061325, MONDO:0003582. Disease mechanism: loss of function.

Submission:

Labcorp Genetics (formerly Invitae), Labcorp
Classification: Pathogenic for Hereditary breast ovarian cancer syndrome. Last evaluated: 2022-03-18. Review status: criteria provided, single submitter. Criteria: Invitae Variant Classification Sherloc (09022015). Collection method: clinical testing. Allele origin: germline.
Comment: For these reasons, this variant has been classified as Pathogenic. This variant has not been reported in the literature in individuals affected with BRCA1-related conditions. This variant is not present in population databases (gnomAD no frequency). This sequence change creates a premature translational stop signal (p.Thr860Hisfs*33) in the BRCA1 gene. It is expected to result in an absent or disrupted protein product. Loss-of-function variants in BRCA1 are known to be pathogenic (PMID: 20104584).

Literature cited by the submitters: PubMed 20104584.

NM_007294.4(BRCA1):c.2578del (p.Thr860fs)

Gene: BRCA1 (BRCA1 DNA repair associated; minus strand). Cytogenetic location: 17q21.31.
Variant type: Deletion.
Coding change: c.2578del on transcript NM_007294.4 (MANE Select); coding-DNA position 2578, one base deleted (A; older notation c.2578delA).
Protein change: p.Thr860fs; shifts the reading frame from threonine 860.
Molecular consequence: frameshift variant. On other transcripts: intron variant (137).
Genome position (GRCh38, 1-based): chr17:43,092,953, T deleted on the plus strand (A on the coding strand, the reverse complement: BRCA1 is on the minus strand). VCF-style (leftmost placement, unchanged base first): chr17-43092952-GT-G. GRCh37 (hg19) VCF-style: chr17-41244969-GT-G.
Other names: c.784+1791del (NM_001408402.1, NM_001408473.1, NM_001408399.1 and 13 more transcripts); c.664+1791del (NM_001408443.1, NM_001408439.1, NM_001408425.1 and 12 more transcripts); c.671-1921del (NM_001408419.1, NM_001408422.1, NM_001408418.1 and 2 more transcripts); c.787+1791del (NM_001408403.1, NM_001407983.1, NM_001407975.1 and 17 more transcripts); c.790+1788del (NM_001408406.1); c.646+1791del (NM_001408456.1, NM_001408410.1, NM_001408458.1 and 11 more transcripts); c.643+1791del (NM_001408465.1, NM_001408463.1, NM_001408462.1 and 3 more transcripts); c.577+1791del (NM_001408482.1, NM_001408484.1, NM_001408478.1 and 9 more transcripts); and 41 more; short protein forms T860fs, T813fs, T564fs, T749fs, T792fs, T819fs, T857fs, T748fs.
Identifiers: ClinVar variation 2113391 (VCV002113391.4), dbSNP rs2552186766, ClinGen allele CA2580094015.